The following is an entry in ClinVar:

ClinVar aggregate classification (germline): Pathogenic/Likely pathogenic. Review status: criteria provided, multiple submitters, no conflicts (2 of 4 stars). 3 submissions from 3 submitters: Pathogenic (2); Likely pathogenic (1). Last evaluated 2023-08-15.

Conditions:
Endometrial carcinoma. Also called: Endometrial carcinoma, somatic. Identifiers: MedGen C0476089, MONDO:0002447, OMIM 608089, HP:0012114.
Hereditary nonpolyposis colorectal neoplasms. Identifiers: MedGen C0009405, MeSH D003123.
Lynch syndrome 5 (LYNCH5). Also called: Hereditary non-polyposis colorectal cancer, type 5; Colorectal cancer, hereditary nonpolyposis, type 5. Identifiers: Orphanet 144, MedGen C1833477, MONDO:0013710, OMIM 614350. Disease mechanism: loss of function.

Submissions (3):

Myriad Genetics, Inc.
Classification: Pathogenic for Lynch syndrome 5. Last evaluated: 2023-08-15. Review status: criteria provided, single submitter. Criteria: Myriad Autosomal Dominant, Autosomal Recessive and X-Linked Classification Criteria (2023). Collection method: clinical testing. Allele origin: unknown.
Comment: This variant is considered pathogenic. This variant creates a termination codon and is predicted to result in premature protein truncation.

Baylor Genetics
Classification: Likely pathogenic for Endometrial carcinoma. Last evaluated: 2023-07-14. Review status: criteria provided, single submitter. Criteria: ACMG Guidelines, 2015. Collection method: clinical testing. Allele origin: unknown.

Labcorp Genetics (formerly Invitae), Labcorp
Classification: Pathogenic for Hereditary nonpolyposis colorectal neoplasms. Last evaluated: 2022-06-10. Review status: criteria provided, single submitter. Criteria: Invitae Variant Classification Sherloc (09022015). Collection method: clinical testing. Allele origin: germline.
Comment: For these reasons, this variant has been classified as Pathogenic. This variant has not been reported in the literature in individuals affected with MSH6-related conditions. This variant is not present in population databases (gnomAD no frequency). This sequence change creates a premature translational stop signal (p.Leu595*) in the MSH6 gene. It is expected to result in an absent or disrupted protein product. Loss-of-function variants in MSH6 are known to be pathogenic (PMID: 18269114, 24362816).

Literature cited by the submitters: PubMed 18269114 (cited by Labcorp Genetics (formerly Invitae), Labcorp); PubMed 24362816 (cited by Labcorp Genetics (formerly Invitae), Labcorp).

NM_000179.3(MSH6):c.1784T>G (p.Leu595Ter)

Gene: MSH6 (mutS homolog 6; plus strand). Cytogenetic location: 2p16.3.
Variant type: single nucleotide variant.
Coding change: c.1784T>G on transcript NM_000179.3 (MANE Select); coding-DNA position 1784, T replaced by G.
Protein change: p.Leu595Ter; replaces leucine 595 with a stop codon.
Molecular consequence: nonsense.
Genome position (GRCh38, 1-based): chr2:47,799,767, T>G. VCF-style: chr2-47799767-T-G. GRCh37 (hg19) VCF-style: chr2-48026906-T-G.
Other names: c.1784T>G, p.Leu595Ter (NM_001406803.1, NM_001406808.1, NM_001406809.1 and 3 more transcripts); c.1706T>G, p.Leu569Ter (NM_001406804.1); c.1487T>G, p.Leu496Ter (NM_001406805.1, NM_001406797.1, NM_001406801.1 and 10 more transcripts); c.1259T>G, p.Leu420Ter (NM_001406806.1, NM_001406807.1, NM_001406799.1); c.878T>G, p.Leu293Ter (NM_001406811.1, NM_001406812.1, NM_001281493.2 and 6 more transcripts); c.1790T>G, p.Leu597Ter (NM_001406813.1); c.1394T>G, p.Leu465Ter (NM_001281492.2); c.1880T>G, p.Leu627Ter (NM_001406795.1, NM_001406802.1); and 1 more; short protein forms L595*, L420*, L496*, L569*, L597*, L465*, L627*, L293*.
Identifiers: ClinVar variation 2004174 (VCV002004174.6), dbSNP rs1553413170, ClinGen allele CA346749254.
Genomic context (GRCh38, chr2:47,799,767, plus strand): 5'-ATGATCGCCATTGTTCGAGATTTAGGACTCTAGTGGCACACTATCCCCCAGTACAAGTTT[T>G]ATTTGAAAAAGGAAATCTCTCAAAGGAAACTAAAACAATTCTAAAGAGTTCATTGTCCTG-3'